The following is an entry in ClinVar:

ClinVar aggregate classification (germline): Likely benign (1 of 4 stars; one submission).

gnomAD v4.1: 16 of 1,613,938 alleles (0.00099%); highest among the groups gnomAD compares: South Asian, 0.0055%; 1 homozygote.

Submission:

CeGaT Center for Human Genetics Tuebingen
Classification: Likely benign. Last evaluated: 2026-03-01. Review status: criteria provided, single submitter. Criteria: CeGaT Center For Human Genetics Tuebingen Variant Classification Criteria Version 2. Collection method: clinical testing. Allele origin: germline. Affected: yes. Observed: 1 variant allele.
Comment: CENPF: BP4

NM_016343.4(CENPF):c.1204C>T (p.Arg402Cys)

Gene: CENPF (centromere protein F; plus strand). Cytogenetic location: 1q41.
Variant type: single nucleotide variant.
Coding change: c.1204C>T on transcript NM_016343.4 (MANE Select); coding-DNA position 1204, C replaced by T.
Protein change: p.Arg402Cys; replaces arginine 402 with cysteine.
Molecular consequence: missense variant.
Genome position (GRCh38, 1-based): chr1:214,630,543, C>T. VCF-style: chr1-214630543-C-T. GRCh37 (hg19) VCF-style: chr1-214803886-C-T.
Other names: short protein forms R402C.
Identifiers: ClinVar variation 4822210 (VCV004822210.4).
Genomic context (GRCh38, chr1:214,630,543, plus strand): 5'-TCTCCCTAGCGAACCATCATCAGGCTGATGCACCTGCCCTTTGTTTTTCAGGAGCTCTCC[C>T]GTCAACAGCGTTCTTTCCAAACACTGGACCAGGAGTGCATCCAGATGAAGGCCAGACTCA-3'
Protein context (NP_057427.3, residues 392-412): KEKEFQEELS[Arg402Cys]QQRSFQTLDQ